The following is an entry in ClinVar:

ClinVar aggregate classification (germline): Uncertain significance (1 of 4 stars; one submission).

Conditions:
Kabuki syndrome 1 (KABUK1). Also called: KMT2D-Related Kabuki Syndrome. Identifiers: Orphanet 2322, MedGen CN030661, MONDO:0007843, OMIM 147920.

Submission:

Baylor Genetics
Classification: Uncertain significance for Kabuki syndrome 1. Last evaluated: 2019-08-29. Review status: criteria provided, single submitter. Criteria: ACMG Guidelines, 2015. Collection method: clinical testing. Allele origin: unknown. Affected: yes.
Comment: This variant was determined to be of uncertain significance according to ACMG Guidelines, 2015 [PMID:25741868].

NM_003482.4(KMT2D):c.3817T>C (p.Cys1273Arg)

Genes: KMT2D (lysine methyltransferase 2D; minus strand), LOC126861520 (CDK7 strongly-dependent group 2 enhancer GRCh37_chr12:49442744-49443943; plus strand). Cytogenetic location: 12q13.12.
Variant type: single nucleotide variant.
Coding change: c.3817T>C on transcript NM_003482.4 (MANE Select); coding-DNA position 3817, T replaced by C.
Protein change: p.Cys1273Arg; replaces cysteine 1273 with arginine.
Molecular consequence: missense variant.
Genome position (GRCh38, 1-based): chr12:49,049,771, A>G on the plus strand (T>C on the coding strand, the complement: KMT2D is on the minus strand). VCF-style: chr12-49049771-A-G. GRCh37 (hg19) VCF-style: chr12-49443554-A-G.
Other names: short protein forms C1273R.
Identifiers: ClinVar variation 1030672 (VCV001030672.1), dbSNP rs1937816053, ClinGen allele CA384653157.